The following is an entry in ClinVar:

NM_020754.4(ARHGAP31):c.4271del (p.Cys1424fs)

Gene: ARHGAP31 (Rho GTPase activating protein 31; plus strand). Cytogenetic location: 3q13.33.
Variant type: Deletion.
Coding change: c.4271del on transcript NM_020754.4 (MANE Select); coding-DNA position 4271, one base deleted (G; older notation c.4271delG).
Protein change: p.Cys1424fs; shifts the reading frame from cysteine 1424.
Molecular consequence: frameshift variant.
Genome position (GRCh38, 1-based): chr3:119,416,200, G deleted. VCF-style (leftmost placement, unchanged base first): chr3-119416199-TG-T. GRCh37 (hg19) VCF-style: chr3-119135046-TG-T.
Other names: short protein forms C1424fs.
Identifiers: ClinVar variation 3234935 (VCV003234935.1), dbSNP rs2472879856, ClinGen allele CA2825001184.

ClinVar aggregate classification (germline): Uncertain significance (1 of 4 stars; one submission).

Conditions:
Adams-Oliver syndrome 1 (AOS1). Also called: ABSENCE DEFECT OF LIMBS, SCALP, AND SKULL; CONGENITAL SCALP DEFECTS WITH DISTAL LIMB REDUCTION ANOMALIES; APLASIA CUTIS CONGENITA WITH TERMINAL TRANSVERSE LIMB DEFECTS. Identifiers: Orphanet 974, MedGen C4551482, MONDO:0024506, OMIM 100300.

Submission:

Neuberg Centre For Genomic Medicine, NCGM
Classification: Uncertain significance for Adams-Oliver syndrome 1. Review status: criteria provided, single submitter. Criteria: ACMG Guidelines, 2015. Collection method: clinical testing. Allele origin: germline. Inheritance: Autosomal recessive inheritance. Affected: yes.
Comment: The frameshift c.4271delp.Cys1424PhefsTer10 variant in ARHGAP31 gene has not been reported previously as a pathogenic variant nor as a benign variant, to our knowledge. The p.Cys1424PhefsTer10 variant is novel not in any individuals in gnomAD Exomes and 1000 Genomes. This variant has not been reported to the ClinVar database. This variant causes a frameshift starting with codon Cysteine 1424, changes this amino acid to Phenylalanine residue, and creates a premature Stop codon at position 10 of the new reading frame, denoted p.Cys1424PhefsTer10. Loss of function variants have been previously reported to be disease causing. However since this variant is present in the last exon, functional studies will be required to prove protein truncation. Hence the variant is classified as Variant of Uncertain Significance VUS.